The following is an entry in ClinVar:

ClinVar aggregate classification (germline): Uncertain significance. Review status: criteria provided, multiple submitters, no conflicts (2 of 4 stars). 2 submissions from 2 submitters: Uncertain significance (2). Last evaluated 2025-11-29.

Conditions:
Hereditary cancer-predisposing syndrome. Also called: Tumor predisposition; Hereditary neoplastic syndrome; Hereditary Cancer Syndrome; Neoplastic Syndromes, Hereditary. Identifiers: Orphanet 140162, MedGen C0027672, MeSH D009386, MONDO:0015356.

Allele frequency attached by ClinVar (database versions not stated): gnomAD exomes 0.00001 and 0.00002; ExAC 0.00003.
gnomAD v4.1: 13 of 1,613,508 alleles (0.00081%); highest among the groups gnomAD compares: South Asian, 0.012%; no homozygotes.

Submissions (2):

Ambry Genetics
Classification: Uncertain significance for Hereditary cancer-predisposing syndrome. Last evaluated: 2025-11-29. Review status: criteria provided, single submitter. Criteria: Ambry Variant Classification Scheme 2023. Collection method: clinical testing. Allele origin: germline.
Comment: The p.K1616R variant (also known as c.4847A>G), located in coding exon 37 of the POLE gene, results from an A to G substitution at nucleotide position 4847. The lysine at codon 1616 is replaced by arginine, an amino acid with highly similar properties. This amino acid position is conserved. In addition, this alteration is predicted to be tolerated by in silico analysis. Since supporting evidence is limited at this time, the clinical significance of this alteration remains unclear.

Labcorp Genetics (formerly Invitae), Labcorp
Classification: Uncertain significance. Last evaluated: 2025-06-24. Review status: criteria provided, single submitter. Criteria: Invitae Variant Classification Sherloc (09022015). Collection method: clinical testing. Allele origin: germline.
Comment: This sequence change replaces lysine, which is basic and polar, with arginine, which is basic and polar, at codon 1616 of the POLE protein (p.Lys1616Arg). This variant is present in population databases (rs747323052, gnomAD 0.01%). This variant has not been reported in the literature in individuals affected with POLE-related conditions. ClinVar contains an entry for this variant (Variation ID: 577306). Invitae Evidence Modeling of protein sequence and biophysical properties (such as structural, functional, and spatial information, amino acid conservation, physicochemical variation, residue mobility, and thermodynamic stability) indicates that this missense variant is not expected to disrupt POLE protein function with a negative predictive value of 80%. Algorithms developed to predict the effect of sequence changes on RNA splicing suggest that this variant may create or strengthen a splice site. In summary, the available evidence is currently insufficient to determine the role of this variant in disease. Therefore, it has been classified as a Variant of Uncertain Significance.

NM_006231.4(POLE):c.4847A>G (p.Lys1616Arg)

Gene: POLE (DNA polymerase epsilon, catalytic subunit; minus strand). Cytogenetic location: 12q24.33.
Variant type: single nucleotide variant.
Coding change: c.4847A>G on transcript NM_006231.4 (MANE Select); coding-DNA position 4847, A replaced by G.
Protein change: p.Lys1616Arg; replaces lysine 1616 with arginine.
Molecular consequence: missense variant.
Genome position (GRCh38, 1-based): chr12:132,642,611, T>C on the plus strand (A>G on the coding strand, the complement: POLE is on the minus strand). VCF-style: chr12-132642611-T-C. GRCh37 (hg19) VCF-style: chr12-133219197-T-C.
Other names: c.4847A>G (NM_006231.2); short protein forms K1616R.
Identifiers: ClinVar variation 577306 (VCV000577306.11), dbSNP rs747323052, ClinGen allele CA6892698.